The following is an entry in ClinVar:

NC_000002.11:g.(?_179648902)_(179655378_?)del

Gene: TTN (titin; minus strand). Cytogenetic location: 2q31.2.
Variant type: Deletion.
Identifiers: ClinVar variation 2424044 (VCV002424044.6).

ClinVar aggregate classification (germline): Uncertain significance (1 of 4 stars; one submission).

Conditions:
Dilated cardiomyopathy 1G (CMD1G). Identifiers: Orphanet 154, MedGen C1858763, MONDO:0011400, OMIM 604145.
Autosomal recessive limb-girdle muscular dystrophy type 2J (LGMDR10). Also called: MUSCULAR DYSTROPHY, LIMB-GIRDLE, AUTOSOMAL RECESSIVE 10; Limb-girdle muscular dystrophy, type 2J. Identifiers: Orphanet 140922, MedGen C1837342, MONDO:0012127, OMIM 608807.

Submission:

Labcorp Genetics (formerly Invitae), Labcorp
Classification: Uncertain significance for Dilated cardiomyopathy 1G; Autosomal recessive limb-girdle muscular dystrophy type 2J. Last evaluated: 2022-03-10. Review status: criteria provided, single submitter. Criteria: Invitae Variant Classification Sherloc (09022015). Collection method: clinical testing. Allele origin: germline.
Comment: In summary, the available evidence is currently insufficient to determine the role of this variant in disease. Therefore, it has been classified as a Variant of Uncertain Significance. This variant is located in the Z band of TTN (PMID: 25589632). Variants in this region may be clinically relevant, but have not been definitively shown to cause cardiomyopathy or neuromuscular disease (PMID: 27493940, 32778822). This variant has not been reported in the literature in individuals affected with TTN-related conditions. This variant results in the deletion of exons 12-15 and part of exon 16 (c.1800+57_2670delins46) of the TTN gene. It is expected to disrupt RNA splicing and likely results in a truncated or disrupted TTN protein.

Literature cited by the submitters: PubMed 25589632; PubMed 27493940; PubMed 32778822.